The following is an entry in ClinVar:

ClinVar aggregate classification (germline): Uncertain significance (1 of 4 stars; one submission).

Conditions:
Adenylosuccinate lyase deficiency (ADSLD). Also called: ADSL DEFICIENCY. Identifiers: Orphanet 46, MedGen C0268126, MONDO:0007068, OMIM 103050.

Submission:

Labcorp Genetics (formerly Invitae), Labcorp
Classification: Uncertain significance for Adenylosuccinate lyase deficiency. Last evaluated: 2020-12-15. Review status: criteria provided, single submitter. Criteria: Invitae Variant Classification Sherloc (09022015). Collection method: clinical testing. Allele origin: germline.
Comment: This variant occurs in a non-coding region of the ADSL gene. It does not change the encoded amino acid sequence of the ADSL protein. The frequency data for this variant in the population databases is considered unreliable, as metrics indicate insufficient coverage at this position in the ExAC database. In summary, the available evidence is currently insufficient to determine the role of this variant in disease. Therefore, it has been classified as a Variant of Uncertain Significance. Experimental studies and prediction algorithms are not available or were not evaluated, and the functional significance of this variant is currently unknown. This variant has not been reported in the literature in individuals with ADSL-related conditions.

NC_000022.11:g.40345597dup

Gene: ADSL (adenylosuccinate lyase; plus strand). Cytogenetic location: 22q13.1.
Variant type: Duplication.
Genome position: GRCh38 VCF-style: chr22-40345588-A-AG. GRCh37 (hg19) VCF-style: chr22-40741592-A-AG.
Identifiers: ClinVar variation 1987236 (VCV001987236.5), dbSNP rs1555903152, ClinGen allele CA324446239.